The following is an entry in ClinVar:

ClinVar aggregate classification (germline): Uncertain significance (0 of 4 stars; one submission).

Conditions:
CSMD3-related disorder. Also called: CSMD3-related condition.

Submission:

PreventionGenetics, part of Exact Sciences
Classification: Uncertain significance for CSMD3-related condition. Last evaluated: 2024-03-19. Review status: no assertion criteria provided. Collection method: clinical testing. Allele origin: germline.
Comment: The CSMD3 c.4012A>G variant is predicted to result in the amino acid substitution p.Thr1338Ala. To our knowledge, this variant has not been reported in the literature or in a large population database, indicating this variant is rare. At this time, the clinical significance of this variant is uncertain due to the absence of conclusive functional and genetic evidence.

NM_198123.2(CSMD3):c.4012A>G (p.Thr1338Ala)

Gene: CSMD3 (CUB and Sushi multiple domains 3; minus strand). Cytogenetic location: 8q23.3.
Variant type: single nucleotide variant.
Coding change: c.4012A>G on transcript NM_198123.2 (MANE Select); coding-DNA position 4012, A replaced by G.
Protein change: p.Thr1338Ala; replaces threonine 1338 with alanine.
Molecular consequence: missense variant.
Genome position (GRCh38, 1-based): chr8:112,573,531, T>C on the plus strand (A>G on the coding strand, the complement: CSMD3 is on the minus strand). VCF-style: chr8-112573531-T-C. GRCh37 (hg19) VCF-style: chr8-113585760-T-C.
Other names: c.3622A>G, p.Thr1208Ala (NM_001363185.1); c.3700A>G, p.Thr1234Ala (NM_052900.3); c.3892A>G, p.Thr1298Ala (NM_198124.2); short protein forms T1208A, T1234A, T1298A, T1338A.
Identifiers: ClinVar variation 3348835 (VCV003348835.1).
Genomic context (GRCh38, chr8:112,573,531, plus strand): 5'-TTGGCCATTTTACTCTTCTAAAATACTTACTGGTATACACAAGTTGAAAGCCTTCATCTG[T>C]CCCTTCAGTATCGGAATTAAATTCTAGCCAGAGTTGATTTGAAGTACTACTAAGTGTCAG-3'
Protein context (NP_937756.1, residues 1328-1348): WLEFNSDTEG[Thr1338Ala]DEGFQLVYTS